The following is an entry in ClinVar:

NM_001184.4(ATR):c.6475G>T (p.Val2159Phe)

Gene: ATR (ATR checkpoint kinase; minus strand). Cytogenetic location: 3q23.
Variant type: single nucleotide variant.
Coding change: c.6475G>T on transcript NM_001184.4 (MANE Select); coding-DNA position 6475, G replaced by T.
Protein change: p.Val2159Phe; replaces valine 2159 with phenylalanine.
Molecular consequence: missense variant.
Genome position (GRCh38, 1-based): chr3:142,469,414, C>A on the plus strand (G>T on the coding strand, the complement: ATR is on the minus strand). VCF-style: chr3-142469414-C-A. GRCh37 (hg19) VCF-style: chr3-142188256-C-A.
Other names: c.6283G>T, p.Val2095Phe (NM_001354579.2); short protein forms V2159F, V2095F.
Identifiers: ClinVar variation 1753727 (VCV001753727.2), dbSNP rs2108278900, ClinGen allele CA354804588.

ClinVar aggregate classification (germline): Uncertain significance (1 of 4 stars; one submission).

Conditions:
Inborn genetic diseases. Identifiers: MedGen C0950123, MeSH D030342.

Submission:

Ambry Genetics
Classification: Uncertain significance for Inborn genetic diseases. Last evaluated: 2021-09-24. Review status: criteria provided, single submitter. Criteria: Ambry Variant Classification Scheme 2023. Collection method: clinical testing. Allele origin: germline.
Comment: The p.V2159F variant (also known as c.6475G>T), located in coding exon 38 of the ATR gene, results from a G to T substitution at nucleotide position 6475. The valine at codon 2159 is replaced by phenylalanine, an amino acid with highly similar properties. This amino acid position is conserved. In addition, the in silico prediction for this alteration is inconclusive. Since supporting evidence is limited at this time, the clinical significance of this alteration remains unclear.